The following is an entry in ClinVar:

ClinVar aggregate classification (germline): Uncertain significance (1 of 4 stars; one submission).

Submission:

GeneDx
Classification: Uncertain significance. Last evaluated: 2024-05-04. Review status: criteria provided, single submitter. Criteria: GeneDx Variant Classification Process June 2021. Collection method: clinical testing. Allele origin: germline. Affected: yes.
Comment: Not observed at significant frequency in large population cohorts (gnomAD); In silico analysis supports that this missense variant has a deleterious effect on protein structure/function; Has not been previously published as pathogenic or benign to our knowledge

NM_001303256.3(MORC2):c.3055G>A (p.Glu1019Lys)

Gene: MORC2 (MORC family CW-type zinc finger 2; minus strand). Cytogenetic location: 22q12.2.
Variant type: single nucleotide variant.
Coding change: c.3055G>A on transcript NM_001303256.3 (MANE Select); coding-DNA position 3055, G replaced by A.
Protein change: p.Glu1019Lys; replaces glutamic acid 1019 with lysine.
Molecular consequence: missense variant.
Genome position (GRCh38, 1-based): chr22:30,926,847, C>T on the plus strand (G>A on the coding strand, the complement: MORC2 is on the minus strand). VCF-style: chr22-30926847-C-T. GRCh37 (hg19) VCF-style: chr22-31322834-C-T.
Other names: c.3046G>A, p.Glu1016Lys (NM_001303257.2); c.2869G>A, p.Glu957Lys (NM_014941.3); short protein forms E1016K, E1019K, E957K.
Identifiers: ClinVar variation 3373402 (VCV003373402.1).
Genomic context (GRCh38, chr22:30,926,847, plus strand): 5'-GCTCTCTCTCCTGCCTTCAGTCCCCCTTGGTGATGAGGTCCTCAATGTAGGCGTCCAGCT[C>T]ATCATCTGTGTTGATGTCTATGTCCTGGAATAGAGCAGGGTAGGGATCAACTGGGGGCCA-3'
Protein context (NP_001290185.1, residues 1009-1029): QEDIDINTDD[Glu1019Lys]LDAYIEDLIT